The following is an entry in ClinVar:

NM_000059.4(BRCA2):c.9284A>T (p.Asp3095Val)

Gene: BRCA2 (BRCA2 DNA repair associated; plus strand). Cytogenetic location: 13q13.1.
Variant type: single nucleotide variant.
Coding change: c.9284A>T on transcript NM_000059.4 (MANE Select); coding-DNA position 9284, A replaced by T.
Protein change: p.Asp3095Val; replaces aspartic acid 3095 with valine.
Molecular consequence: missense variant. On other transcripts: non-coding transcript variant (1).
Genome position (GRCh38, 1-based): chr13:32,394,716, A>T. VCF-style: chr13-32394716-A-T. GRCh37 (hg19) VCF-style: chr13-32968853-A-T.
Other names: c.9188A>T, p.Asp3063Val (NM_001406719.1); c.9233A>T, p.Asp3078Val (NM_001406720.1); c.4352A>T, p.Asp1451Val (NM_001406721.1); c.2867A>T, p.Asp956Val (NM_001406722.1); c.9284A>T, p.Asp3095Val (NM_001432077.1); short protein forms D3063V, D3095V, D1451V, D3078V, D956V.
Identifiers: ClinVar variation 3636561 (VCV003636561.5).

ClinVar aggregate classification (germline): Conflicting classifications of pathogenicity. Review status: criteria provided, conflicting classifications (1 of 4 stars). 3 submissions from 3 submitters: Likely pathogenic (1); Uncertain significance (2). Last evaluated 2025-10-23.

Conditions:
Hereditary breast ovarian cancer syndrome. Also called: Hereditary breast and ovarian cancer syndrome; Hereditary breast and ovarian cancer syndrome (HBOC); BRCA1- and BRCA2-Associated Hereditary Breast and Ovarian Cancer; Hereditary breast and ovarian cancer; Breast and ovarian cancer; Hereditary breast and/or ovarian cancer syndrome. Identifiers: Orphanet 145, MedGen C0677776, MeSH D061325, MONDO:0003582. Disease mechanism: loss of function.
Hereditary cancer-predisposing syndrome. Also called: Neoplastic Syndromes, Hereditary; Tumor predisposition; Hereditary Cancer Syndrome; Hereditary neoplastic syndrome. Identifiers: Orphanet 140162, MedGen C0027672, MeSH D009386, MONDO:0015356.

Submissions (3):

Women's Health and Genetics/Laboratory Corporation of America, LabCorp
Classification: Uncertain significance. Last evaluated: 2025-10-23. Review status: criteria provided, single submitter. Criteria: LabCorp Variant Classification Summary - May 2015. Collection method: clinical testing. Allele origin: germline.
Comment: Variant summary: BRCA2 c.9284A>T (p.Asp3095Val) results in a non-conservative amino acid change in the encoded protein sequence. Algorithms developed to predict the effect of missense changes on protein structure and function all suggest that this variant is likely to be disruptive. The variant was absent in 250672 control chromosomes. To our knowledge, no occurrence of c.9284A>T in individuals affected with BRCA2-related conditions and no experimental evidence demonstrating its impact on protein function have been reported. Different variants affecting the same codon have been classified as pathogenic by our lab (c.9284A>G, p.Asp3095Gly; c.9285C>G, p.Asp3095Glu), supporting the critical relevance of codon 3095 to BRCA2 protein function. ClinVar contains an entry for this variant (Variation ID: 3636561). Based on the evidence outlined above, the variant was classified as VUS-possibly pathogenic.

Ambry Genetics
Classification: Likely pathogenic for Hereditary cancer-predisposing syndrome. Last evaluated: 2025-04-03. Review status: criteria provided, single submitter. Criteria: Ambry Variant Classification Scheme 2023. Collection method: clinical testing. Allele origin: germline.
Comment: The p.D3095V variant (also known as c.9284A>T), located in coding exon 24 of the BRCA2 gene, results from an A to T substitution at nucleotide position 9284. The aspartic acid at codon 3095 is replaced by valine, an amino acid with highly dissimilar properties. Two saturation genome editing-based studies, including a haploid cell-survival assay and a humanized mouse embryonic stem cell line assay of drug response and survival, demonstrate that this nucleotide substitution is non-functional (Huang H et al. Nature. 2025 Feb;638(8050):528-537; Sahu S et al. Nature. 2025 Feb;638(8050):538-545). Other variant(s) at the same codon, p.D3095E c.9285C>G, have been identified in individual(s) with features consistent with BRCA2-related cancer predisposition (Ambry internal data). This amino acid position is highly conserved in available vertebrate species. In addition, this alteration is predicted to be deleterious by in silico analysis. Based on the supporting evidence, this variant is interpreted as a disease-causing mutation.

Labcorp Genetics (formerly Invitae), Labcorp
Classification: Uncertain significance for Hereditary breast ovarian cancer syndrome. Last evaluated: 2024-02-26. Review status: criteria provided, single submitter. Criteria: Invitae Variant Classification Sherloc (09022015). Collection method: clinical testing. Allele origin: germline.
Comment: This sequence change replaces aspartic acid, which is acidic and polar, with valine, which is neutral and non-polar, at codon 3095 of the BRCA2 protein (p.Asp3095Val). This variant is not present in population databases (gnomAD no frequency). This variant has not been reported in the literature in individuals affected with BRCA2-related conditions. Advanced modeling of protein sequence and biophysical properties (such as structural, functional, and spatial information, amino acid conservation, physicochemical variation, residue mobility, and thermodynamic stability) has been performed at Invitae for this missense variant, however the output from this modeling did not meet the statistical confidence thresholds required to predict the impact of this variant on BRCA2 protein function. This variant disrupts the p.Asp3095 amino acid residue in BRCA2. Other variant(s) that disrupt this residue have been determined to be pathogenic (PMID: 18451181, 18951446, 22678057). This suggests that this residue is clinically significant, and that variants that disrupt this residue are likely to be disease-causing. In summary, the available evidence is currently insufficient to determine the role of this variant in disease. Therefore, it has been classified as a Variant of Uncertain Significance.

Literature cited by the submitters: PubMed 39779848 (cited by Ambry Genetics); PubMed 18451181 (cited by Labcorp Genetics (formerly Invitae), Labcorp); PubMed 18951446 (cited by Labcorp Genetics (formerly Invitae), Labcorp); PubMed 22678057 (cited by Labcorp Genetics (formerly Invitae), Labcorp).